The following is an entry in ClinVar:

ClinVar aggregate classification (germline): Conflicting classifications of pathogenicity. Review status: criteria provided, conflicting classifications (1 of 4 stars). 6 submissions from 6 submitters: Uncertain significance (1); Likely benign (5). Last evaluated 2025-10-01.

Conditions:
Ehlers-Danlos syndrome, spondylodysplastic type, 3. Also called: Ehlers-Danlos syndrome, spondylocheirodysplastic type. Identifiers: Orphanet 157965, MedGen C2676510, MONDO:0012873, OMIM 612350.

Allele frequency attached by ClinVar (database versions not stated): gnomAD exomes 0.00003 and 0.00007; gnomAD 0.00004; TOPMed 0.00005; ExAC 0.00006.

Submissions (6):

Labcorp Genetics (formerly Invitae), Labcorp
Classification: Likely benign for Ehlers-Danlos syndrome, spondylodysplastic type, 3. Last evaluated: 2025-10-01. Review status: criteria provided, single submitter. Criteria: Invitae Variant Classification Sherloc (09022015). Collection method: clinical testing. Allele origin: germline.

Mayo Clinic Laboratories, Mayo Clinic
Classification: Likely benign. Last evaluated: 2025-09-19. Review status: criteria provided, single submitter. Criteria: ACMG Guidelines, 2015. Collection method: clinical testing. Allele origin: germline. Observed: 3 variant alleles.
Comment: BP4, BP7

Laboratory of Genetics, Children's Clinical University Hospital Latvia
Classification: Likely benign. Last evaluated: 2025-02-16. Review status: criteria provided, single submitter. Criteria: ACMG Guidelines, 2015. Collection method: clinical testing. Allele origin: germline. Affected: yes.

Blueprint Genetics
Classification: Likely benign. Last evaluated: 2024-06-04. Review status: criteria provided, single submitter. Criteria: ACMG Guidelines, 2015. Collection method: clinical testing. Allele origin: germline.

GeneDx
Classification: Likely benign. Last evaluated: 2021-03-17. Review status: criteria provided, single submitter. Criteria: GeneDx Variant Classification Process June 2021. Collection method: clinical testing. Allele origin: germline. Affected: yes.

Eurofins Ntd Llc (ga)
Classification: Uncertain significance. Last evaluated: 2015-02-06. Review status: criteria provided, single submitter. Criteria: EGL Classification Definitions 2015. Collection method: clinical testing. Allele origin: germline. Observed: 1 variant allele, 1 heterozygote.

NM_001128225.3(SLC39A13):c.222T>A (p.Gly74=)

Gene: SLC39A13 (solute carrier family 39 member 13; plus strand). Cytogenetic location: 11p11.2.
Variant type: single nucleotide variant.
Coding change: c.222T>A on transcript NM_001128225.3 (MANE Select); coding-DNA position 222, T replaced by A.
Protein change: p.Gly74=; no amino-acid change (glycine 74 retained).
Molecular consequence: synonymous variant. On other transcripts: non-coding transcript variant (1).
Genome position (GRCh38, 1-based): chr11:47,410,316, T>A. VCF-style: chr11-47410316-T-A. GRCh37 (hg19) VCF-style: chr11-47431867-T-A.
Other names: p.Gly74=; c.222T>A, p.Gly74= (NM_001330245.2, NM_152264.5).
Identifiers: ClinVar variation 195411 (VCV000195411.20), dbSNP rs753665968, ClinGen allele CA241837.